The following is an entry in ClinVar:

NM_000321.3(RB1):c.69G>A (p.Pro23=)

Gene: RB1 (RB transcriptional corepressor 1; plus strand). Cytogenetic location: 13q14.2.
Variant type: single nucleotide variant.
Coding change: c.69G>A on transcript NM_000321.3 (MANE Select); coding-DNA position 69, G replaced by A.
Protein change: p.Pro23=; no amino-acid change (proline 23 retained).
Molecular consequence: synonymous variant.
Genome position (GRCh38, 1-based): chr13:48,303,981, G>A. VCF-style: chr13-48303981-G-A. GRCh37 (hg19) VCF-style: chr13-48878117-G-A.
Identifiers: ClinVar variation 486297 (VCV000486297.23), dbSNP rs746662122, ClinGen allele CA483711616.

ClinVar aggregate classification (germline): Likely benign. Review status: criteria provided, multiple submitters, no conflicts (2 of 4 stars). 4 submissions from 4 submitters: Likely benign (4). Last evaluated 2025-08-01.

Conditions:
Retinoblastoma (RB1). Also called: RETINOBLASTOMA, SOMATIC. Identifiers: Orphanet 790, MedGen C0035335, MeSH D012175, MONDO:0008380, OMIM 180200, HP:0009919. Disease mechanism: loss of function. Inheritance: Both sporadic and heritable forms are tested..
Hereditary cancer-predisposing syndrome. Also called: Hereditary neoplastic syndrome; Neoplastic Syndromes, Hereditary; Hereditary Cancer Syndrome; Tumor predisposition. Identifiers: Orphanet 140162, MedGen C0027672, MeSH D009386, MONDO:0015356.

gnomAD v4.1: 9 of 1,491,240 alleles (0.0006%); highest among the groups gnomAD compares: Middle Eastern, 0.023%; no homozygotes.

Submissions (4):

CeGaT Center for Human Genetics Tuebingen
Classification: Likely benign. Last evaluated: 2025-08-01. Review status: criteria provided, single submitter. Criteria: CeGaT Center For Human Genetics Tuebingen Variant Classification Criteria Version 2. Collection method: clinical testing. Allele origin: germline. Affected: yes. Observed: 1 variant allele.
Comment: RB1: BP4, BP7

All of Us Research Program, National Institutes of Health
Classification: Likely benign for Retinoblastoma. Last evaluated: 2023-08-15. Review status: criteria provided, single submitter. Criteria: ACMG Guidelines, 2015. Collection method: clinical testing. Allele origin: germline. Inheritance: Autosomal dominant inheritance. Observed: 1 variant allele, 1 heterozygote.
Comment: This study involves interpretation of variants in research participants for the purpose of population health screening. Participant phenotype was not available at the time of variant classification. Additional details can be found in publication PMID: 35346344, PMCID: PMC8962531

Labcorp Genetics (formerly Invitae), Labcorp
Classification: Likely benign for Retinoblastoma. Last evaluated: 2021-04-04. Review status: criteria provided, single submitter. Criteria: Invitae Variant Classification Sherloc (09022015). Collection method: clinical testing. Allele origin: germline.

Ambry Genetics
Classification: Likely benign for Hereditary cancer-predisposing syndrome. Last evaluated: 2017-09-14. Review status: criteria provided, single submitter. Criteria: Ambry Variant Classification Scheme 2023. Collection method: clinical testing. Allele origin: germline.